The following is an entry in ClinVar:

ClinVar aggregate classification (germline): Uncertain significance (1 of 4 stars; one submission).

Submission:

Labcorp Genetics (formerly Invitae), Labcorp
Classification: Uncertain significance. Last evaluated: 2024-08-07. Review status: criteria provided, single submitter. Criteria: Invitae Variant Classification Sherloc (09022015). Collection method: clinical testing. Allele origin: germline.
Comment: This sequence change replaces serine, which is neutral and polar, with proline, which is neutral and non-polar, at codon 422 of the LZTR1 protein (p.Ser422Pro). This variant is not present in population databases (gnomAD no frequency). This variant has not been reported in the literature in individuals affected with LZTR1-related conditions. Advanced modeling of protein sequence and biophysical properties (such as structural, functional, and spatial information, amino acid conservation, physicochemical variation, residue mobility, and thermodynamic stability) performed at Invitae indicates that this missense variant is not expected to disrupt LZTR1 protein function with a negative predictive value of 80%. In summary, the available evidence is currently insufficient to determine the role of this variant in disease. Therefore, it has been classified as a Variant of Uncertain Significance.

NM_006767.4(LZTR1):c.1264T>C (p.Ser422Pro)

Gene: LZTR1 (leucine zipper like post translational regulator 1; plus strand). Cytogenetic location: 22q11.21.
Variant type: single nucleotide variant.
Coding change: c.1264T>C on transcript NM_006767.4 (MANE Select); coding-DNA position 1264, T replaced by C.
Protein change: p.Ser422Pro; replaces serine 422 with proline.
Molecular consequence: missense variant.
Genome position (GRCh38, 1-based): chr22:20,993,665, T>C. VCF-style: chr22-20993665-T-C. GRCh37 (hg19) VCF-style: chr22-21347954-T-C.
Other names: short protein forms S422P.
Identifiers: ClinVar variation 3687157 (VCV003687157.2).